The following is an entry in ClinVar:

ClinVar aggregate classification (germline): Uncertain significance (1 of 4 stars; one submission).

Conditions:
Familial sleep-related hypermotor epilepsy. Also called: Autosomal Dominant Sleep-Related Hypermotor (Hyperkinetic) Epilepsy. Identifiers: Orphanet 98784, MedGen C3696898, MONDO:0000030.

Allele frequency attached by ClinVar (database versions not stated): gnomAD 0.00001.

Submission:

Labcorp Genetics (formerly Invitae), Labcorp
Classification: Uncertain significance. Last evaluated: 2022-07-11. Review status: criteria provided, single submitter. Criteria: Invitae Variant Classification Sherloc (09022015). Collection method: clinical testing. Allele origin: germline.
Comment: This variant has not been reported in the literature in individuals affected with CHRNA4-related conditions. This variant is not present in population databases (gnomAD no frequency). This sequence change replaces phenylalanine, which is neutral and non-polar, with leucine, which is neutral and non-polar, at codon 45 of the CHRNA4 protein (p.Phe45Leu). In summary, the available evidence is currently insufficient to determine the role of this variant in disease. Therefore, it has been classified as a Variant of Uncertain Significance. Algorithms developed to predict the effect of missense changes on protein structure and function are either unavailable or do not agree on the potential impact of this missense change (SIFT: "Tolerated"; PolyPhen-2: "Probably Damaging"; Align-GVGD: "Class C0"). ClinVar contains an entry for this variant (Variation ID: 957778).

NM_000744.7(CHRNA4):c.135C>G (p.Phe45Leu)

Gene: CHRNA4 (cholinergic receptor nicotinic alpha 4 subunit; minus strand). Cytogenetic location: 20q13.33.
Variant type: single nucleotide variant.
Coding change: c.135C>G on transcript NM_000744.7 (MANE Select); coding-DNA position 135, C replaced by G.
Protein change: p.Phe45Leu; replaces phenylalanine 45 with leucine.
Molecular consequence: missense variant. On other transcripts: 5 prime UTR variant (1), non-coding transcript variant (1).
Genome position (GRCh38, 1-based): chr20:63,359,641, G>C on the plus strand (C>G on the coding strand, the complement: CHRNA4 is on the minus strand). VCF-style: chr20-63359641-G-C. GRCh37 (hg19) VCF-style: chr20-61990993-G-C.
Other names: c.-412C>G (NM_001256573.2); short protein forms F45L.
Identifiers: ClinVar variation 957778 (VCV000957778.9), dbSNP rs766240756, ClinGen allele CA409643743.